The following is an entry in ClinVar:

ClinVar aggregate classification (germline): Uncertain significance (1 of 4 stars; one submission).

Conditions:
Severe combined immunodeficiency due to DCLRE1C deficiency (RS-SCID). Also called: SCID, AUTOSOMAL RECESSIVE, T CELL-NEGATIVE, B CELL-NEGATIVE, NK CELL-POSITIVE, WITH SENSITIVITY TO IONIZING RADIATION. Identifiers: Orphanet 275, MedGen C1865371, MONDO:0011225, OMIM 602450.

Submission:

Labcorp Genetics (formerly Invitae), Labcorp
Classification: Uncertain significance for Athabaskan severe combined immunodeficiency. Last evaluated: 2023-10-13. Review status: criteria provided, single submitter. Criteria: Invitae Variant Classification Sherloc (09022015). Collection method: clinical testing. Allele origin: germline.
Comment: This sequence change creates a premature translational stop signal (p.Gln646*) in the DCLRE1C gene. While this is not anticipated to result in nonsense mediated decay, it is expected to disrupt the last 47 amino acid(s) of the DCLRE1C protein. This variant is not present in population databases (gnomAD no frequency). This variant has not been reported in the literature in individuals affected with DCLRE1C-related conditions. ClinVar contains an entry for this variant (Variation ID: 1903774). Experimental studies and prediction algorithms are not available or were not evaluated, and the functional significance of this variant is currently unknown. In summary, the available evidence is currently insufficient to determine the role of this variant in disease. Therefore, it has been classified as a Variant of Uncertain Significance.

NM_001033855.3(DCLRE1C):c.1936C>T (p.Gln646Ter)

Gene: DCLRE1C (DNA cross-link repair 1C; minus strand). Cytogenetic location: 10p13.
Variant type: single nucleotide variant.
Coding change: c.1936C>T on transcript NM_001033855.3 (MANE Select); coding-DNA position 1936, C replaced by T.
Protein change: p.Gln646Ter; replaces glutamine 646 with a stop codon.
Molecular consequence: nonsense. On other transcripts: non-coding transcript variant (3), intron variant (3).
Genome position (GRCh38, 1-based): chr10:14,908,551, G>A on the plus strand (C>T on the coding strand, the complement: DCLRE1C is on the minus strand). VCF-style: chr10-14908551-G-A. GRCh37 (hg19) VCF-style: chr10-14950550-G-A.
Other names: c.1576C>T, p.Gln526Ter (NM_001033857.3, NM_001033858.3, NM_001289077.2 and 1 more transcripts); c.1591C>T, p.Gln531Ter (NM_001289076.2, NM_001289078.2, NM_022487.4); c.1437+154C>T (NM_001350966.2); c.1782+154C>T (NM_001350965.2); c.1422+154C>T (NM_001350967.2); short protein forms Q526*, Q531*, Q646*.
Identifiers: ClinVar variation 1903774 (VCV001903774.3), dbSNP rs2491617772, ClinGen allele CA376074239.